The following is an entry in ClinVar:

ClinVar aggregate classification (germline): Uncertain significance. Review status: criteria provided, multiple submitters, no conflicts (2 of 4 stars). 2 submissions from 2 submitters: Uncertain significance (2). Last evaluated 2024-09-08.

Conditions:
Developmental and epileptic encephalopathy 94 (DEE94). Also called: CHD2-Related Neurodevelopmental Disorders; Epileptic encephalopathy, childhood-onset. Identifiers: Orphanet 1942, Orphanet 2382, MedGen C3809278, MONDO:0014150, OMIM 615369.

Submissions (2):

GeneDx
Classification: Uncertain significance. Last evaluated: 2024-09-08. Review status: criteria provided, single submitter. Criteria: GeneDx Variant Classification Process June 2021. Collection method: clinical testing. Allele origin: germline. Affected: yes.
Comment: Not observed at significant frequency in large population cohorts (gnomAD); In silico analysis indicates that this missense variant does not alter protein structure/function; Has not been previously published as pathogenic or benign to our knowledge

Labcorp Genetics (formerly Invitae), Labcorp
Classification: Uncertain significance for Developmental and epileptic encephalopathy 94. Last evaluated: 2024-08-29. Review status: criteria provided, single submitter. Criteria: Invitae Variant Classification Sherloc (09022015). Collection method: clinical testing. Allele origin: germline.
Comment: This sequence change replaces glycine, which is neutral and non-polar, with arginine, which is basic and polar, at codon 1676 of the CHD2 protein (p.Gly1676Arg). This variant is not present in population databases (gnomAD no frequency). This variant has not been reported in the literature in individuals affected with CHD2-related conditions. ClinVar contains an entry for this variant (Variation ID: 1313105). Invitae Evidence Modeling of protein sequence and biophysical properties (such as structural, functional, and spatial information, amino acid conservation, physicochemical variation, residue mobility, and thermodynamic stability) indicates that this missense variant is not expected to disrupt CHD2 protein function with a negative predictive value of 95%. This variant disrupts the p.Gly1676 amino acid residue in CHD2. Other variant(s) that disrupt this residue have been determined to be pathogenic (internal data). This suggests that this residue is clinically significant, and that variants that disrupt this residue are likely to be disease-causing. In summary, the available evidence is currently insufficient to determine the role of this variant in disease. Therefore, it has been classified as a Variant of Uncertain Significance.

NM_001271.4(CHD2):c.5026G>A (p.Gly1676Arg)

Gene: CHD2 (chromodomain helicase DNA binding protein 2; plus strand). Cytogenetic location: 15q26.1.
Variant type: single nucleotide variant.
Coding change: c.5026G>A on transcript NM_001271.4 (MANE Select); coding-DNA position 5026, G replaced by A.
Protein change: p.Gly1676Arg; replaces glycine 1676 with arginine.
Molecular consequence: missense variant.
Genome position (GRCh38, 1-based): chr15:93,020,131, G>A. VCF-style: chr15-93020131-G-A. GRCh37 (hg19) VCF-style: chr15-93563361-G-A.
Other names: short protein forms G1676R.
Identifiers: ClinVar variation 1313105 (VCV001313105.6), dbSNP rs2141895266, ClinGen allele CA393907746.